The following is an entry in ClinVar:

Conditions:
Breast-ovarian cancer, familial, susceptibility to, 1 (BROVCA1). Also called: BRCA1 Hereditary Breast and Ovarian Cancer; OVARIAN CANCER, SUSCEPTIBILITY TO. Identifiers: Orphanet 145, MedGen C2676676, MONDO:0011450, OMIM 604370. Disease mechanism: loss of function.

Submission:

Brotman Baty Institute, University of Washington
No classification provided (evidence only). Condition: Breast-ovarian cancer, familial 1. Review status: no classification provided. Collection method: in vitro. Allele origin: not applicable. Functional consequence: functionally_normal.
ClinVar note: "not provided" was previously submitted as the classification for the variant. However, the classification appeared to be based only on an observation of functional data so it was converted to no classification on 2025-07-30.

NM_007294.4(BRCA1):c.5467+16G>C

Gene: BRCA1 (BRCA1 DNA repair associated; minus strand). Cytogenetic location: 17q21.31.
Variant type: single nucleotide variant.
Coding change: c.5467+16G>C on transcript NM_007294.4 (MANE Select); 16 bases into the intron after coding-DNA position 5467, G replaced by C.
Molecular consequence: intron variant.
Genome position (GRCh38, 1-based): chr17:43,047,627, C>G on the plus strand (G>C on the coding strand, the complement: BRCA1 is on the minus strand). VCF-style: chr17-43047627-C-G. GRCh37 (hg19) VCF-style: chr17-41199644-C-G.
Other names: c.5464+16G>C (NM_001407622.1, NM_001407611.1, NM_001407624.1 and 14 more transcripts); c.5467+16G>C (NM_001407602.1, NM_001407597.1, NM_001407605.1 and 5 more transcripts); c.5530+16G>C (NM_001407585.1, NM_007300.4, NM_001407583.1 and 1 more transcripts); c.5197+16G>C (NM_001407936.1, NM_001407934.1, NM_001407935.1); c.5320+16G>C (NM_001407849.1, NM_001407845.1, NM_001407852.1 and 12 more transcripts); c.5323+16G>C (NM_001407744.1, NM_001407750.1, NM_001407732.1 and 18 more transcripts); c.1894+16G>C (NM_001408496.1, NM_001408499.1, NM_001408498.1 and 3 more transcripts); c.5200+16G>C (NM_001407929.1, NM_001407930.1, NM_001407933.1 and 4 more transcripts); and 83 more.
Identifiers: ClinVar variation 867548 (VCV000867548.3), dbSNP rs2050972271, ClinGen allele CA916080744.